The following is an entry in ClinVar:

NM_198129.4(LAMA3):c.6478A>T (p.Lys2160Ter)

Gene: LAMA3 (laminin subunit alpha 3; plus strand). Cytogenetic location: 18q11.2.
Variant type: single nucleotide variant.
Coding change: c.6478A>T on transcript NM_198129.4 (MANE Select); coding-DNA position 6478, A replaced by T.
Protein change: p.Lys2160Ter; replaces lysine 2160 with a stop codon.
Molecular consequence: nonsense.
Genome position (GRCh38, 1-based): chr18:23,904,557, A>T. VCF-style: chr18-23904557-A-T. GRCh37 (hg19) VCF-style: chr18-21484521-A-T.
Other names: c.1651A>T, p.Lys551Ter (NM_000227.6); c.6310A>T, p.Lys2104Ter (NM_001127717.4); c.1483A>T, p.Lys495Ter (NM_001127718.4); short protein forms K2160*, K551*, K2104*, K495*.
Identifiers: ClinVar variation 936265 (VCV000936265.7), dbSNP rs2081179434, ClinGen allele CA402050305.

ClinVar aggregate classification (germline): Pathogenic (1 of 4 stars; one submission).

Submission:

Labcorp Genetics (formerly Invitae), Labcorp
Classification: Pathogenic. Last evaluated: 2019-09-06. Review status: criteria provided, single submitter. Criteria: Invitae Variant Classification Sherloc (09022015). Collection method: clinical testing. Allele origin: germline.
Comment: For these reasons, this variant has been classified as Pathogenic. Loss-of-function variants in LAMA3 are known to be pathogenic (PMID: 10366601, 11810295, 12915477, 16473856, 17362460, 23869449, 28087116). This variant has not been reported in the literature in individuals with LAMA3-related conditions. This variant is not present in population databases (ExAC no frequency). This sequence change creates a premature translational stop signal (p.Lys551*) in the LAMA3 gene. It is expected to result in an absent or disrupted protein product.

Literature cited by the submitters: PubMed 10366601; PubMed 11810295; PubMed 12915477; PubMed 16473856; PubMed 17362460; PubMed 23869449; PubMed 28087116.